The following is an entry in ClinVar:

ClinVar aggregate classification (germline): Pathogenic (1 of 4 stars; one submission).

Conditions:
Hereditary cancer-predisposing syndrome. Also called: Neoplastic Syndromes, Hereditary; Tumor predisposition; Hereditary Cancer Syndrome; Hereditary neoplastic syndrome. Identifiers: Orphanet 140162, MedGen C0027672, MeSH D009386, MONDO:0015356.

Submission:

Ambry Genetics
Classification: Pathogenic for Hereditary cancer-predisposing syndrome. Last evaluated: 2018-07-30. Review status: criteria provided, single submitter. Criteria: Ambry Variant Classification Scheme 2023. Collection method: clinical testing. Allele origin: germline.
Comment: The p.K1240* pathogenic mutation (also known as c.3718A>T), located in coding exon 8 of the MSH6 gene, results from an A to T substitution at nucleotide position 3718. This changes the amino acid from a lysine to a stop codon within coding exon 8. This alteration is expected to result in loss of function by premature protein truncation or nonsense-mediated mRNA decay. As such, this alteration is interpreted as a disease-causing mutation.

NM_000179.3(MSH6):c.3718A>T (p.Lys1240Ter)

Gene: MSH6 (mutS homolog 6; plus strand). Cytogenetic location: 2p16.3.
Variant type: single nucleotide variant.
Coding change: c.3718A>T on transcript NM_000179.3 (MANE Select); coding-DNA position 3718, A replaced by T.
Protein change: p.Lys1240Ter; replaces lysine 1240 with a stop codon.
Molecular consequence: nonsense.
Genome position (GRCh38, 1-based): chr2:47,806,275, A>T. VCF-style: chr2-47806275-A-T. GRCh37 (hg19) VCF-style: chr2-48033414-A-T.
Other names: c.3193A>T, p.Lys1065Ter (NM_001406807.1, NM_001406799.1, NM_001406806.1); c.3718A>T, p.Lys1240Ter (NM_001406808.1, NM_001406809.1, NM_001406796.1 and 1 more transcripts); c.2812A>T, p.Lys938Ter (NM_001406811.1, NM_001406823.1, NM_001406829.1 and 6 more transcripts); c.3421A>T, p.Lys1141Ter (NM_001406822.1, NM_001406824.1, NM_001406830.1 and 10 more transcripts); c.499A>T, p.Lys167Ter (NM_001406831.1); c.565A>T, p.Lys189Ter (NM_001406832.1); c.1663A>T, p.Lys555Ter (NM_001407362.1); c.3550A>T, p.Lys1184Ter (NM_001406826.1); and 7 more; short protein forms K1110*, K1182*, K1214*, K555*, K938*, K1240*, K1272*, K718*.
Identifiers: ClinVar variation 1734254 (VCV001734254.2), dbSNP rs2104541425, ClinGen allele CA346761014.